The following is an entry in ClinVar:

ClinVar aggregate classification (germline): Pathogenic (1 of 4 stars; one submission).

Submission:

Labcorp Genetics (formerly Invitae), Labcorp
Classification: Pathogenic. Last evaluated: 2022-06-09. Review status: criteria provided, single submitter. Criteria: Invitae Variant Classification Sherloc (09022015). Collection method: clinical testing. Allele origin: germline.
Comment: This sequence change creates a premature translational stop signal (p.Asp490Glufs*16) in the POLE gene. It is expected to result in an absent or disrupted protein product. Loss-of-function variants in POLE are known to be pathogenic (PMID: 23230001, 25948378, 30503519). This variant is not present in population databases (gnomAD no frequency). This variant has not been reported in the literature in individuals affected with POLE-related conditions. For these reasons, this variant has been classified as Pathogenic.

Literature cited by the submitters: PubMed 23230001; PubMed 25948378; PubMed 30503519.

NM_006231.4(POLE):c.1470del (p.Asp490fs)

Gene: POLE (DNA polymerase epsilon, catalytic subunit; minus strand). Cytogenetic location: 12q24.33.
Variant type: Deletion.
Coding change: c.1470del on transcript NM_006231.4 (MANE Select); coding-DNA position 1470, one base deleted (C; older notation c.1470delC).
Protein change: p.Asp490fs; shifts the reading frame from aspartic acid 490.
Molecular consequence: frameshift variant.
Genome position (GRCh38, 1-based): chr12:132,673,167, G deleted on the plus strand (C on the coding strand, the reverse complement: POLE is on the minus strand). VCF-style (leftmost placement, unchanged base first): chr12-132673166-CG-C. GRCh37 (hg19) VCF-style: chr12-133249752-CG-C.
Other names: short protein forms D490fs.
Identifiers: ClinVar variation 2418661 (VCV002418661.5), dbSNP rs2542139536, ClinGen allele CA2580086036.